The following is an entry in ClinVar:

NM_001009944.3(PKD1):c.8623A>T (p.Lys2875Ter)

Gene: PKD1 (polycystin 1, transient receptor potential channel interacting; minus strand). Cytogenetic location: 16p13.3.
Variant type: single nucleotide variant.
Coding change: c.8623A>T on transcript NM_001009944.3 (MANE Select); coding-DNA position 8623, A replaced by T.
Protein change: p.Lys2875Ter; replaces lysine 2875 with a stop codon.
Molecular consequence: nonsense.
Genome position (GRCh38, 1-based): chr16:2,103,434, T>A on the plus strand (A>T on the coding strand, the complement: PKD1 is on the minus strand). VCF-style: chr16-2103434-T-A. GRCh37 (hg19) VCF-style: chr16-2153435-T-A.
Other names: c.8623A>T, p.Lys2875Ter (NM_000296.4); short protein forms K2875*.
Identifiers: ClinVar variation 4853679 (VCV004853679.1).

ClinVar aggregate classification (germline): Pathogenic (1 of 4 stars; one submission).

Conditions:
Polycystic kidney disease, adult type (PKD1). Also called: Polycystic Kidney, Autosomal Dominant; POLYCYSTIC KIDNEY DISEASE, ADULT, TYPE I; Polycystic Kidney Disease 1, Autosomal Dominant; Polycystic kidney disease 1; Polycystic kidney disease 1, severe; POLYCYSTIC KIDNEY DISEASE 1 WITH OR WITHOUT POLYCYSTIC LIVER DISEASE. Identifiers: MedGen C3149841, MONDO:0008263, OMIM 173900.

Submission:

Women's Health and Genetics/Laboratory Corporation of America, LabCorp
Classification: Pathogenic for Polycystic kidney disease, adult type. Last evaluated: 2026-05-26. Review status: criteria provided, single submitter. Criteria: LabCorp Variant Classification Summary - May 2015. Collection method: clinical testing. Allele origin: germline.
Comment: Variant summary: PKD1 c.8623A>T (p.Lys2875X) results in a premature termination codon, predicted to cause a truncation of the encoded protein or absence of the protein due to nonsense mediated decay, which are commonly known mechanisms for disease. The variant was absent in 233048 control chromosomes (gnomAD). c.8623A>T has been observed in an individual affected with PKD1-related conditions (Brazdziunaite_2026). The following publication have been ascertained in the context of this evaluation (PMID: 40760778). No submitters have cited clinical-significance assessments for this variant to ClinVar. Based on the evidence outlined above, the variant was classified as pathogenic.

Literature cited by the submitters: PubMed 40760778.